The following is an entry in ClinVar:

ClinVar aggregate classification (germline): Uncertain significance (1 of 4 stars; one submission).

Submission:

GeneDx
Classification: Uncertain significance. Last evaluated: 2024-07-24. Review status: criteria provided, single submitter. Criteria: GeneDx Variant Classification Process June 2021. Collection method: clinical testing. Allele origin: germline. Affected: yes.
Comment: Not observed at significant frequency in large population cohorts (gnomAD); In silico analysis supports that this missense variant has a deleterious effect on protein structure/function; Has not been previously published as pathogenic or benign to our knowledge

NM_001039876.3(SYNE4):c.133G>A (p.Glu45Lys)

Gene: SYNE4 (spectrin repeat containing nuclear envelope family member 4; minus strand). Cytogenetic location: 19q13.12.
Variant type: single nucleotide variant.
Coding change: c.133G>A on transcript NM_001039876.3 (MANE Select); coding-DNA position 133, G replaced by A.
Protein change: p.Glu45Lys; replaces glutamic acid 45 with lysine.
Molecular consequence: missense variant.
Genome position (GRCh38, 1-based): chr19:36,008,363, C>T on the plus strand (G>A on the coding strand, the complement: SYNE4 is on the minus strand). VCF-style: chr19-36008363-C-T. GRCh37 (hg19) VCF-style: chr19-36499265-C-T.
Other names: c.133G>A, p.Glu45Lys (NM_001297735.3); short protein forms E45K.
Identifiers: ClinVar variation 3600820 (VCV003600820.1).